The following is an entry in ClinVar:

ClinVar aggregate classification (germline): Uncertain significance. Review status: criteria provided, multiple submitters, no conflicts (2 of 4 stars). 2 submissions from 2 submitters: Uncertain significance (2). Last evaluated 2021-08-31.

Conditions:
Inborn genetic diseases. Identifiers: MedGen C0950123, MeSH D030342.
Neuronal ceroid lipofuscinosis. Also called: Neuronal Ceroid Lipofuscinoses. Identifiers: Orphanet 216, Orphanet 79263, MedGen C0027877, MONDO:0016295. Disease mechanism: loss of function.

Submissions (2):

Labcorp Genetics (formerly Invitae), Labcorp
Classification: Uncertain significance for Neuronal ceroid lipofuscinosis. Last evaluated: 2021-08-31. Review status: criteria provided, single submitter. Criteria: Invitae Variant Classification Sherloc (09022015). Collection method: clinical testing. Allele origin: germline.

Ambry Genetics
Classification: Uncertain significance for Inborn genetic diseases. Last evaluated: 2017-11-29. Review status: criteria provided, single submitter. Criteria: Ambry Variant Classification Scheme 2023. Collection method: clinical testing. Allele origin: germline.
Comment: The p.L412R variant (also known as c.1235T>G), located in coding exon 9 of the CTSD gene, results from a T to G substitution at nucleotide position 1235. The leucine at codon 412 is replaced by arginine, an amino acid with dissimilar properties. This amino acid position is not conserved on limited sequence alignment. In addition, this alteration is predicted to be tolerated by in silico analysis. Since supporting evidence is limited at this time, the clinical significance of this alteration remains unclear.

NM_001909.5(CTSD):c.1235T>G (p.Leu412Arg)

Gene: CTSD (cathepsin D; minus strand). Cytogenetic location: 11p15.5.
Variant type: single nucleotide variant.
Coding change: c.1235T>G on transcript NM_001909.5 (MANE Select); coding-DNA position 1235, T replaced by G.
Protein change: p.Leu412Arg; replaces leucine 412 with arginine.
Molecular consequence: missense variant.
Genome position (GRCh38, 1-based): chr11:1,753,507, A>C on the plus strand (T>G on the coding strand, the complement: CTSD is on the minus strand). VCF-style: chr11-1753507-A-C. GRCh37 (hg19) VCF-style: chr11-1774737-A-C.
Other names: short protein forms L412R.
Identifiers: ClinVar variation 527754 (VCV000527754.6), dbSNP rs1554962202, ClinGen allele CA379092309.
Genomic context (GRCh38, chr11:1,753,507, plus strand): 5'-CCTCCTGCTCTGGGACTCTCCTCTGTTTCTGTGCTGGCGCGCGGACGCCTTGGGAACTAG[A>C]GGCGGGCAGCCTCGGCGAAGCCCACCCTGTTGTTGTCACGGTCAAACACAGTGTAGTAGC-3'
Protein context (NP_001900.1, residues 402-412): NRVGFAEAAR[Leu412Arg]